The following is an entry in ClinVar:

NM_003119.4(SPG7):c.1552+16G>T

Gene: SPG7 (SPG7 matrix AAA peptidase subunit, paraplegin; plus strand). Cytogenetic location: 16q24.3.
Variant type: single nucleotide variant.
Coding change: c.1552+16G>T on transcript NM_003119.4 (MANE Select); 16 bases into the intron after coding-DNA position 1552, G replaced by T.
Molecular consequence: intron variant.
Genome position (GRCh38, 1-based): chr16:89,546,776, G>T. VCF-style: chr16-89546776-G-T. GRCh37 (hg19) VCF-style: chr16-89613184-G-T.
Other names: c.1552+16G>T (NM_001363850.1).
Identifiers: ClinVar variation 516688 (VCV000516688.6), dbSNP rs746083152, ClinGen allele CA8244244.

ClinVar aggregate classification (germline): Likely benign. Review status: criteria provided, multiple submitters, no conflicts (2 of 4 stars). 3 submissions from 3 submitters: Likely benign (3). Last evaluated 2024-02-21.

Conditions:
Hereditary spastic paraplegia 7 (SPG7). Also called: SPASTIC PARAPLEGIA 7, AUTOSOMAL RECESSIVE, WITH OR WITHOUT CEREBELLAR ATAXIA; Spastic paraplegia 7; Hereditary spastic paraplegia Paraplegin type; Autosomal recessive spastic paraplegia type 7; SPG7-related neurologic disorder. Identifiers: Orphanet 99013, MedGen C1846564, MONDO:0011803, OMIM 607259.

Allele frequency attached by ClinVar (database versions not stated): ExAC 0.00002; TOPMed 0.00002; gnomAD 0.00003; gnomAD exomes 0.00003.
gnomAD v4.1: 34 of 1,552,180 alleles (0.0022%); highest among the groups gnomAD compares: Non-Finnish European, 0.00053%; no homozygotes.

Submissions (3):

Women's Health and Genetics/Laboratory Corporation of America, LabCorp
Classification: Likely benign. Last evaluated: 2024-02-21. Review status: criteria provided, single submitter. Criteria: LabCorp Variant Classification Summary - May 2015. Collection method: clinical testing. Allele origin: germline.

Labcorp Genetics (formerly Invitae), Labcorp
Classification: Likely benign for Hereditary spastic paraplegia 7. Last evaluated: 2022-01-04. Review status: criteria provided, single submitter. Criteria: Invitae Variant Classification Sherloc (09022015). Collection method: clinical testing. Allele origin: germline.

GeneDx
Classification: Likely benign. Last evaluated: 2017-07-12. Review status: criteria provided, single submitter. Criteria: GeneDx Variant Classification (06012015). Collection method: clinical testing. Allele origin: germline. Affected: yes.
Comment: This variant is considered likely benign or benign based on one or more of the following criteria: it is a conservative change, it occurs at a poorly conserved position in the protein, it is predicted to be benign by multiple in silico algorithms, and/or has population frequency not consistent with disease.